The following is an entry in ClinVar:

GRCh37/hg19 3q13.12-13.31(chr3:107059705-115005256)x1

Genes: ABHD10 (abhydrolase domain containing 10, depalmitoylase; plus strand), ATG3 (autophagy related 3; minus strand), ATP6V1A (ATPase H+ transporting V1 subunit A; plus strand), BBX (BBX high mobility group box domain containing; plus strand), BOC (BOC cell adhesion associated, oncogene regulated; plus strand) and 46 more. Cytogenetic location: 3q13.12-13.31.
Variant type: copy number loss.
Change: copy number 1 (one copy instead of two) of chr3:107,059,705-115,005,256 (7.95 Mb, GRCh37 coordinates, 1-based), cytogenetic band 3q13.12-13.31.
Identifiers: ClinVar variation 1807773 (VCV001807773.1).

ClinVar aggregate classification (germline): Pathogenic (1 of 4 stars; one submission).

Submission:

Quest Diagnostics Nichols Institute San Juan Capistrano
Classification: Pathogenic. Last evaluated: 2021-10-04. Review status: criteria provided, single submitter. Criteria: ACMG/ClinGen CNV Guidelines, 2019. Collection method: clinical testing. Allele origin: unknown.
Comment: This microdeletion contains the critical region for the chromosome 3q13.31 microdeletion syndrome (OMIM 615433) which is characterized by developmental delay, postnatal overgrowth, hypoplastic male genitals, and characteristic facial features (Molin, et al., J Med Genet. 2012 Feb;49(2):104-9. PMID: 22180640). Brain and central nervous system anomalies including agenesis of the corpus callosum, ventriculomegaly, and holoprosencephaly have been reported, as well (Lawson-Yuen A et al., Clin Dysmorphol. 2006 Oct;15(4):217-20. PMID: 16957476).